The following is an entry in ClinVar:

ClinVar aggregate classification (germline): Uncertain significance (1 of 4 stars; one submission).

Conditions:
Osteogenesis imperfecta type I (OI1). Also called: Lobstein disease; OI, TYPE I; OSTEOGENESIS IMPERFECTA TARDA; OSTEOGENESIS IMPERFECTA WITH BLUE SCLERAE; Osteogenesis imperfecta type 1; Lobstein's Disease. Identifiers: Orphanet 216796, Orphanet 666, MedGen C0023931, MONDO:0008146, OMIM 166200. Disease mechanism: loss of function.
Ehlers-Danlos syndrome, classic type, 1 (EDSCL1). Also called: EDS I; EHLERS-DANLOS SYNDROME, GRAVIS TYPE; EHLERS-DANLOS SYNDROME, SEVERE CLASSIC TYPE; Ehlers-Danlos syndrome, type 1; Ehlers-Danlos Syndrome, Classic Type, COL5A1-Related. Identifiers: MedGen C0268335, MONDO:0019567, OMIM 130000.

Submission:

Labcorp Genetics (formerly Invitae), Labcorp
Classification: Uncertain significance for Osteogenesis imperfecta type I; Ehlers-Danlos syndrome, classic type, 1. Last evaluated: 2023-07-31. Review status: criteria provided, single submitter. Criteria: Invitae Variant Classification Sherloc (09022015). Collection method: clinical testing. Allele origin: germline.
Comment: This variant has not been reported in the literature in individuals affected with COL1A2-related conditions. In summary, the available evidence is currently insufficient to determine the role of this variant in disease. Therefore, it has been classified as a Variant of Uncertain Significance. Variants that disrupt the consensus splice site are a relatively common cause of aberrant splicing (PMID: 17576681, 9536098). Algorithms developed to predict the effect of sequence changes on RNA splicing suggest that this variant is not likely to affect RNA splicing. This variant is not present in population databases (gnomAD no frequency). This sequence change falls in intron 19 of the COL1A2 gene. It does not directly change the encoded amino acid sequence of the COL1A2 protein. It affects a nucleotide within the consensus splice site.

Literature cited by the submitters: PubMed 17576681; PubMed 9536098.

NM_000089.4(COL1A2):c.1035+4A>T

Gene: COL1A2 (collagen type I alpha 2 chain; plus strand). Cytogenetic location: 7q21.3.
Variant type: single nucleotide variant.
Coding change: c.1035+4A>T on transcript NM_000089.4 (MANE Select); 4 bases into the intron after coding-DNA position 1035, A replaced by T.
Molecular consequence: intron variant.
Genome position (GRCh38, 1-based): chr7:94,409,825, A>T. VCF-style: chr7-94409825-A-T. GRCh37 (hg19) VCF-style: chr7-94039137-A-T.
Identifiers: ClinVar variation 2926275 (VCV002926275.3), dbSNP rs2484708451, ClinGen allele CA2740097422.
Genomic context (GRCh38, chr7:94,409,825, plus strand): 5'-CGCGGTATTCCTGGCCCTGTTGGTGCTGCCGGTGCTACTGGTGCCAGAGGACTTGTTGTA[A>T]GTGGTCATGACTGTGGTTCTCATCATCCTGAAATACCACCTCTGCCATCATTTCATCACT-3'